The following is an entry in ClinVar:

NM_001130438.3(SPTAN1):c.1007G>T (p.Arg336Leu)

Gene: SPTAN1 (spectrin alpha, non-erythrocytic 1; plus strand). Cytogenetic location: 9q34.11.
Variant type: single nucleotide variant.
Coding change: c.1007G>T on transcript NM_001130438.3 (MANE Select); coding-DNA position 1007, G replaced by T.
Protein change: p.Arg336Leu; replaces arginine 336 with leucine.
Molecular consequence: missense variant.
Genome position (GRCh38, 1-based): chr9:128,577,428, G>T. VCF-style: chr9-128577428-G-T. GRCh37 (hg19) VCF-style: chr9-131339707-G-T.
Other names: c.1007G>T, p.Arg336Leu (NM_001195532.2, NM_001363759.2, NM_001363765.2 and 5 more transcripts); c.1043G>T, p.Arg348Leu (NM_001375312.2, NM_001375318.1); short protein forms R336L, R348L.
Identifiers: ClinVar variation 3253112 (VCV003253112.1), dbSNP rs796930106.

ClinVar aggregate classification (germline): Uncertain significance (1 of 4 stars; one submission).

Submission:

GeneDx
Classification: Uncertain significance. Last evaluated: 2023-12-11. Review status: criteria provided, single submitter. Criteria: GeneDx Variant Classification Process June 2021. Collection method: clinical testing. Allele origin: germline. Affected: yes.
Comment: Not observed at significant frequency in large population cohorts (gnomAD); In silico analysis supports that this missense variant has a deleterious effect on protein structure/function; Has not been previously published as pathogenic or benign to our knowledge